The following is an entry in ClinVar:

NM_001035.3(RYR2):c.4847G>A (p.Gly1616Asp)

Gene: RYR2 (ryanodine receptor 2; plus strand). Cytogenetic location: 1q43.
Variant type: single nucleotide variant.
Coding change: c.4847G>A on transcript NM_001035.3 (MANE Select); coding-DNA position 4847, G replaced by A.
Protein change: p.Gly1616Asp; replaces glycine 1616 with aspartic acid.
Molecular consequence: missense variant.
Genome position (GRCh38, 1-based): chr1:237,610,925, G>A. VCF-style: chr1-237610925-G-A. GRCh37 (hg19) VCF-style: chr1-237774225-G-A.
Other names: short protein forms G1616D.
Identifiers: ClinVar variation 1472153 (VCV001472153.8), dbSNP rs1295709441, ClinGen allele CA345402754.

ClinVar aggregate classification (germline): Uncertain significance. Review status: criteria provided, multiple submitters, no conflicts (2 of 4 stars). 2 submissions from 2 submitters: Uncertain significance (2). Last evaluated 2025-11-03.

Conditions:
Catecholaminergic polymorphic ventricular tachycardia (CVPT). Also called: Catecholamine-induced polymorphic ventricular tachycardia. Identifiers: Orphanet 3286, MedGen C5574922, MONDO:0017990.
Catecholaminergic polymorphic ventricular tachycardia 1. Also called: VENTRICULAR TACHYCARDIA, CATECHOLAMINERGIC POLYMORPHIC, 1, WITH OR WITHOUT ATRIAL DYSFUNCTION AND/OR DILATED CARDIOMYOPATHY; RYR2-Related Catecholaminergic Polymorphic Ventricular Tachycardia; VENTRICULAR TACHYCARDIA, STRESS-INDUCED POLYMORPHIC 1. Identifiers: Orphanet 3286, MedGen C1631597, MONDO:0011484, OMIM 604772.

Allele frequency attached by ClinVar (database versions not stated): gnomAD exomes below 0.00001; gnomAD 0.00001.
gnomAD v4.1: 4 of 1,613,408 alleles (0.00025%); highest among the groups gnomAD compares: Non-Finnish European, 0.00034%; no homozygotes.

Submissions (2):

Labcorp Genetics (formerly Invitae), Labcorp
Classification: Uncertain significance for Catecholaminergic polymorphic ventricular tachycardia 1. Last evaluated: 2025-11-03. Review status: criteria provided, single submitter. Criteria: Invitae Variant Classification Sherloc (09022015). Collection method: clinical testing. Allele origin: germline.
Comment: This sequence change replaces glycine, which is neutral and non-polar, with aspartic acid, which is acidic and polar, at codon 1616 of the RYR2 protein (p.Gly1616Asp). This variant is present in population databases (no rsID available, gnomAD 0.0009%). This variant has not been reported in the literature in individuals affected with RYR2-related conditions. ClinVar contains an entry for this variant (Variation ID: 1472153). Invitae Evidence Modeling of protein sequence and biophysical properties (such as structural, functional, and spatial information, amino acid conservation, physicochemical variation, residue mobility, and thermodynamic stability) indicates that this missense variant is expected to disrupt RYR2 protein function with a positive predictive value of 95%. In summary, the available evidence is currently insufficient to determine the role of this variant in disease. Therefore, it has been classified as a Variant of Uncertain Significance.

All of Us Research Program, National Institutes of Health
Classification: Uncertain significance for Catecholaminergic polymorphic ventricular tachycardia. Last evaluated: 2023-04-10. Review status: criteria provided, single submitter. Criteria: ACMG Guidelines, 2015. Collection method: clinical testing. Allele origin: germline. Inheritance: Autosomal dominant inheritance. Observed: 2 variant alleles, 2 heterozygotes.
Comment: This missense variant replaces glycine with aspartic acid at codon 1616 of the RYR2 protein. Computational prediction suggests that this variant may have deleterious impact on protein structure and function (internally defined REVEL score threshold >= 0.7, PMID: 27666373). To our knowledge, functional studies have not been reported for this variant. This variant has not been reported in individuals affected with RYR2-related disorders in the literature. This variant has been identified in 1/248438 chromosomes in the general population by the Genome Aggregation Database (gnomAD). The available evidence is insufficient to determine the role of this variant in disease conclusively. Therefore, this variant is classified as a Variant of Uncertain Significance.

This study involves interpretation of variants in research participants for the purpose of population health screening. Participant phenotype was not available at the time of variant classification. Additional details can be found in publication PMID: 35346344, PMCID: PMC8962531